The following is an entry in ClinVar:

ClinVar aggregate classification (germline): Uncertain significance. Review status: criteria provided, multiple submitters, no conflicts (2 of 4 stars). 2 submissions from 2 submitters: Uncertain significance (2). Last evaluated 2024-12-11.

Conditions:
Inborn genetic diseases. Identifiers: MedGen C0950123, MeSH D030342.

Allele frequency attached by ClinVar (database versions not stated): gnomAD 0.00003; TOPMed 0.00005; gnomAD exomes 0.00006; ExAC 0.00007.
gnomAD v4.1: 97 of 1,614,074 alleles (0.006%); highest among the groups gnomAD compares: South Asian, 0.04%; 1 homozygote.

Submissions (2):

Ambry Genetics
Classification: Uncertain significance for Inborn genetic diseases. Last evaluated: 2024-12-11. Review status: criteria provided, single submitter. Criteria: Ambry Variant Classification Scheme 2023. Collection method: clinical testing. Allele origin: germline.

GeneDx
Classification: Uncertain significance. Last evaluated: 2023-12-27. Review status: criteria provided, single submitter. Criteria: GeneDx Variant Classification Process June 2021. Collection method: clinical testing. Allele origin: germline. Affected: yes.
Comment: In silico analysis supports that this missense variant does not alter protein structure/function; Has not been previously published as pathogenic or benign to our knowledge

NM_000233.4(LHCGR):c.746T>C (p.Ile249Thr)

Genes: LHCGR (luteinizing hormone/choriogonadotropin receptor; minus strand), STON1-GTF2A1L (STON1-GTF2A1L readthrough; plus strand). Cytogenetic location: 2p16.3.
Variant type: single nucleotide variant.
Coding change: c.746T>C on transcript NM_000233.4 (MANE Select); coding-DNA position 746, T replaced by C.
Protein change: p.Ile249Thr; replaces isoleucine 249 with threonine.
Molecular consequence: missense variant. On other transcripts: intron variant (1).
Genome position (GRCh38, 1-based): chr2:48,698,735, A>G on the plus strand (T>C on the coding strand, the complement: LHCGR is on the minus strand). VCF-style: chr2-48698735-A-G. GRCh37 (hg19) VCF-style: chr2-48925874-A-G.
Other names: c.3441+27055A>G (NM_001198593.2); short protein forms I249T.
Identifiers: ClinVar variation 2377996 (VCV002377996.4), dbSNP rs749078142, ClinGen allele CA1653177.
Genomic context (GRCh38, chr2:48,698,735, plus strand): 5'-AGGAGATTGACAAATGTTTCTCTTGATGGCAATTTTTTTAGAGAATAGGATGACGTGGCA[A>G]TTAGCCTCTGAATGGACTCTAGGCCATAGCTCGGCAGGGCCTGCAATTTGGTGGAAGAAA-3'
Protein context (NP_000224.2, residues 239-259): SYGLESIQRL[Ile249Thr]ATSSYSLKKL